The following is an entry in ClinVar:

NM_031418.4(ANO3):c.257A>G (p.Asn86Ser)

Gene: ANO3 (anoctamin 3; plus strand). Cytogenetic location: 11p14.2.
Variant type: single nucleotide variant.
Coding change: c.257A>G on transcript NM_031418.4 (MANE Select); coding-DNA position 257, A replaced by G.
Protein change: p.Asn86Ser; replaces asparagine 86 with serine.
Molecular consequence: missense variant.
Genome position (GRCh38, 1-based): chr11:26,443,780, A>G. VCF-style: chr11-26443780-A-G. GRCh37 (hg19) VCF-style: chr11-26465327-A-G.
Other names: c.440A>G, p.Asn147Ser (NM_001313726.2); short protein forms N147S, N86S.
Identifiers: ClinVar variation 455989 (VCV000455989.10), dbSNP rs1378436915, ClinGen allele CA380066475.
Genomic context (GRCh38, chr11:26,443,780, plus strand): 5'-ATGCTTTTATTTCCCAAAACTACAAAGTATCTTATTTTATTTCAGTTAATACTGAGGAGA[A>G]TAAAAACGACTCTGTGCTGAGATGTTCATTTGCTGACCTCAGCGATTTTTGTTTGGGTAA-3'
Protein context (NP_113606.2, residues 76-96): DKAEQVNTEE[Asn86Ser]KNDSVLRCSF

ClinVar aggregate classification (germline): Uncertain significance (1 of 4 stars; one submission).

Conditions:
Dystonic disorder. Also called: Dystonia. Identifiers: MedGen C0013421, MONDO:0003441, HP:0001332.

Allele frequency attached by ClinVar (database versions not stated): TOPMed 0.00001; gnomAD 0.00002.
gnomAD v4.1: 3 of 1,605,084 alleles (0.00019%); highest among the groups gnomAD compares: African/African-American, 0.004%; no homozygotes.

Submission:

Labcorp Genetics (formerly Invitae), Labcorp
Classification: Uncertain significance for Dystonic disorder. Last evaluated: 2019-02-22. Review status: criteria provided, single submitter. Criteria: Invitae Variant Classification Sherloc (09022015). Collection method: clinical testing. Allele origin: germline.
Comment: In summary, this variant is a novel missense change that is not predicted to affect protein function. There is no indication that it causes disease, but the available evidence is currently insufficient to prove that conclusively. Therefore, it has been classified as a Variant of Uncertain Significance. Algorithms developed to predict the effect of missense changes on protein structure and function output the following: (SIFT: "Tolerated"; PolyPhen-2: "Benign"; Align-GVGD: "Class C0"). The serine amino acid residue is found in multiple mammalian species, suggesting that this missense change does not adversely affect protein function. These predictions have not been confirmed by published functional studies. This variant is not present in population databases (ExAC no frequency) and has not been reported in the literature in individuals with a ANO3-related disease. This sequence change replaces asparagine with serine at codon 86 of the ANO3 protein (p.Asn86Ser). The asparagine residue is weakly conserved and there is a small physicochemical difference between asparagine and serine.